The following is an entry in ClinVar:

NM_000899.5(KITLG):c.226C>G (p.Gln76Glu)

Gene: KITLG (KIT ligand; minus strand). Cytogenetic location: 12q21.32.
Variant type: single nucleotide variant.
Coding change: c.226C>G on transcript NM_000899.5 (MANE Select); coding-DNA position 226, C replaced by G.
Protein change: p.Gln76Glu; replaces glutamine 76 with glutamic acid.
Molecular consequence: missense variant.
Genome position (GRCh38, 1-based): chr12:88,518,834, G>C on the plus strand (C>G on the coding strand, the complement: KITLG is on the minus strand). VCF-style: chr12-88518834-G-C. GRCh37 (hg19) VCF-style: chr12-88912611-G-C.
Other names: c.226C>G, p.Gln76Glu (NM_003994.6); short protein forms Q76E.
Identifiers: ClinVar variation 1406105 (VCV001406105.6), dbSNP rs2120840892, ClinGen allele CA386122690.
Genomic context (GRCh38, chr12:88,518,834, plus strand): 5'-TCAAGCCTTCAGAAATATTTGAAAACTTGTCCAGAAGATCAGTCAAGCTGTCTGACAATT[G>C]TACTACCATCTCGCTTATCCAACAATGACTTGGCTGCAAGATATGAAAAAAGAGACAAAA-3'
Protein context (NP_000890.1, residues 66-86): SHCWISEMVV[Gln76Glu]LSDSLTDLLD

ClinVar aggregate classification (germline): Uncertain significance (1 of 4 stars; one submission).

Submission:

Labcorp Genetics (formerly Invitae), Labcorp
Classification: Uncertain significance. Last evaluated: 2021-10-22. Review status: criteria provided, single submitter. Criteria: Invitae Variant Classification Sherloc (09022015). Collection method: clinical testing. Allele origin: germline.
Comment: In summary, the available evidence is currently insufficient to determine the role of this variant in disease. Therefore, it has been classified as a Variant of Uncertain Significance. Algorithms developed to predict the effect of missense changes on protein structure and function output the following: SIFT: "Tolerated"; PolyPhen-2: "Benign"; Align-GVGD: "Class C0". The glutamic acid amino acid residue is found in multiple mammalian species, which suggests that this missense change does not adversely affect protein function. This variant has not been reported in the literature in individuals affected with KITLG-related conditions. This variant is not present in population databases (ExAC no frequency). This sequence change replaces glutamine with glutamic acid at codon 76 of the KITLG protein (p.Gln76Glu). The glutamine residue is moderately conserved and there is a small physicochemical difference between glutamine and glutamic acid.